The following is an entry in ClinVar:

ClinVar aggregate classification (germline): Uncertain significance. Review status: criteria provided, multiple submitters, no conflicts (2 of 4 stars). 2 submissions from 2 submitters: Uncertain significance (2). Last evaluated 2025-12-29.

Allele frequency attached by ClinVar (database versions not stated): TOPMed 0.00007.
gnomAD v4.1: 42 of 1,613,958 alleles (0.0026%); highest among the groups gnomAD compares: Middle Eastern, 0.016%; no homozygotes.

Submissions (2):

Labcorp Genetics (formerly Invitae), Labcorp
Classification: Uncertain significance. Last evaluated: 2025-12-29. Review status: criteria provided, single submitter. Criteria: Invitae Variant Classification Sherloc (09022015). Collection method: clinical testing. Allele origin: germline.
Comment: This sequence change replaces arginine, which is basic and polar, with tryptophan, which is neutral and slightly polar, at codon 128 of the NDUFAF1 protein (p.Arg128Trp). This variant is present in population databases (no rsID available, gnomAD 0.01%). This variant has not been reported in the literature in individuals affected with NDUFAF1-related conditions. ClinVar contains an entry for this variant (Variation ID: 1977944). Invitae Evidence Modeling of protein sequence and biophysical properties (such as structural, functional, and spatial information, amino acid conservation, physicochemical variation, residue mobility, and thermodynamic stability) has been performed for this missense variant. However, the output from this modeling did not meet the statistical confidence thresholds required to predict the impact of this variant on NDUFAF1 protein function. In summary, the available evidence is currently insufficient to determine the role of this variant in disease. Therefore, it has been classified as a Variant of Uncertain Significance.

Ambry Genetics
Classification: Uncertain significance. Last evaluated: 2021-08-10. Review status: criteria provided, single submitter. Criteria: Ambry Variant Classification Scheme 2023. Collection method: clinical testing. Allele origin: germline.

NM_016013.4(NDUFAF1):c.382C>T (p.Arg128Trp)

Gene: NDUFAF1 (NADH:ubiquinone oxidoreductase complex assembly factor 1; minus strand). Cytogenetic location: 15q15.1.
Variant type: single nucleotide variant.
Coding change: c.382C>T on transcript NM_016013.4 (MANE Select); coding-DNA position 382, C replaced by T.
Protein change: p.Arg128Trp; replaces arginine 128 with tryptophan.
Molecular consequence: missense variant. On other transcripts: non-coding transcript variant (1).
Genome position (GRCh38, 1-based): chr15:41,396,678, G>A on the plus strand (C>T on the coding strand, the complement: NDUFAF1 is on the minus strand). VCF-style: chr15-41396678-G-A. GRCh37 (hg19) VCF-style: chr15-41688876-G-A.
Other names: short protein forms R128W.
Identifiers: ClinVar variation 1977944 (VCV001977944.6), dbSNP rs1001079811, ClinGen allele CA269681040.